The following is an entry in ClinVar:

NM_000836.4(GRIN2D):c.2585T>G (p.Val862Gly)

Gene: GRIN2D (glutamate ionotropic receptor NMDA type subunit 2D; plus strand). Cytogenetic location: 19q13.33.
Variant type: single nucleotide variant.
Coding change: c.2585T>G on transcript NM_000836.4 (MANE Select); coding-DNA position 2585, T replaced by G.
Protein change: p.Val862Gly; replaces valine 862 with glycine.
Molecular consequence: missense variant.
Genome position (GRCh38, 1-based): chr19:48,442,294, T>G. VCF-style: chr19-48442294-T-G. GRCh37 (hg19) VCF-style: chr19-48945551-T-G.
Other names: short protein forms V862G.
Identifiers: ClinVar variation 1478674 (VCV001478674.6), dbSNP rs1419066518, ClinGen allele CA406670341.

ClinVar aggregate classification (germline): Uncertain significance (1 of 4 stars; one submission).

Allele frequency attached by ClinVar (database versions not stated): TOPMed below 0.00001; gnomAD 0.00001.
gnomAD v4.1: 1 of 1,613,984 alleles (0.000062%); highest among the groups gnomAD compares: Non-Finnish European, 0.000085%; no homozygotes.

Submission:

Labcorp Genetics (formerly Invitae), Labcorp
Classification: Uncertain significance. Last evaluated: 2021-11-03. Review status: criteria provided, single submitter. Criteria: Invitae Variant Classification Sherloc (09022015). Collection method: clinical testing. Allele origin: germline.
Comment: This sequence change replaces valine, which is neutral and non-polar, with glycine, which is neutral and non-polar, at codon 862 of the GRIN2D protein (p.Val862Gly). In summary, the available evidence is currently insufficient to determine the role of this variant in disease. Therefore, it has been classified as a Variant of Uncertain Significance. Algorithms developed to predict the effect of missense changes on protein structure and function are either unavailable or do not agree on the potential impact of this missense change (SIFT: "Deleterious"; PolyPhen-2: "Probably Damaging"; Align-GVGD: "Class C0"). This variant has not been reported in the literature in individuals affected with GRIN2D-related conditions. This variant is not present in population databases (gnomAD no frequency).